The following is an entry in ClinVar:

ClinVar aggregate classification (germline): Uncertain significance. Review status: criteria provided, multiple submitters, no conflicts (2 of 4 stars). 2 submissions from 2 submitters: Uncertain significance (2). Last evaluated 2025-05-04.

Conditions:
Hereditary cancer-predisposing syndrome. Also called: Neoplastic Syndromes, Hereditary; Hereditary neoplastic syndrome; Hereditary Cancer Syndrome; Tumor predisposition. Identifiers: Orphanet 140162, MedGen C0027672, MeSH D009386, MONDO:0015356.
Renal cell carcinoma. Identifiers: Orphanet 217071, MedGen C0007134, MeSH D002292, MONDO:0005086, HP:0005584.

Allele frequency attached by ClinVar (database versions not stated): TOPMed below 0.00001.
gnomAD v4.1: 2 of 1,608,998 alleles (0.00012%); highest among the groups gnomAD compares: African/African-American, 0.0013%; no homozygotes.

Submissions (2):

Labcorp Genetics (formerly Invitae), Labcorp
Classification: Uncertain significance for Renal cell carcinoma. Last evaluated: 2025-05-04. Review status: criteria provided, single submitter. Criteria: Invitae Variant Classification Sherloc (09022015). Collection method: clinical testing. Allele origin: germline.
Comment: This sequence change replaces valine, which is neutral and non-polar, with glycine, which is neutral and non-polar, at codon 765 of the MET protein (p.Val765Gly). This variant is not present in population databases (gnomAD no frequency). This variant has not been reported in the literature in individuals affected with MET-related conditions. ClinVar contains an entry for this variant (Variation ID: 2968165). An algorithm developed to predict the effect of missense changes on protein structure and function (PolyPhen-2) suggests that this variant is likely to be tolerated. In summary, the available evidence is currently insufficient to determine the role of this variant in disease. Therefore, it has been classified as a Variant of Uncertain Significance.

Ambry Genetics
Classification: Uncertain significance for Hereditary cancer-predisposing syndrome. Last evaluated: 2024-09-22. Review status: criteria provided, single submitter. Criteria: Ambry Variant Classification Scheme 2023. Collection method: clinical testing. Allele origin: germline.
Comment: The p.V765G variant (also known as c.2294T>G), located in coding exon 9 of the MET gene, results from a T to G substitution at nucleotide position 2294. The valine at codon 765 is replaced by glycine, an amino acid with dissimilar properties. This amino acid position is conserved. In addition, this alteration is predicted to be tolerated by in silico analysis. Based on the available evidence, the clinical significance of this variant remains unclear.

NM_000245.4(MET):c.2265-25T>G

Gene: MET (MET proto-oncogene, receptor tyrosine kinase; plus strand). Cytogenetic location: 7q31.2.
Variant type: single nucleotide variant.
Coding change: c.2265-25T>G on transcript NM_000245.4 (MANE Select); 25 bases into the intron before coding-DNA position 2265, T replaced by G.
Molecular consequence: intron variant. On other transcripts: missense variant (1).
Genome position (GRCh38, 1-based): chr7:116,759,366, T>G. VCF-style: chr7-116759366-T-G. GRCh37 (hg19) VCF-style: chr7-116399420-T-G.
Other names: c.2294T>G, p.Val765Gly (NM_001127500.3); c.975-25T>G (NM_001324402.2); c.2265-25T>G (NM_001324401.3); short protein forms V765G.
Identifiers: ClinVar variation 2968165 (VCV002968165.4), dbSNP rs1794308172, ClinGen allele CA368981668.